The following is an entry in ClinVar:

ClinVar aggregate classification (germline): Uncertain significance (1 of 4 stars; one submission).

Allele frequency attached by ClinVar (database versions not stated): ExAC 0.00001; gnomAD exomes 0.00002; TOPMed 0.00002; gnomAD 0.00004.
gnomAD v4.1: 37 of 1,613,430 alleles (0.0023%); highest among the groups gnomAD compares: Non-Finnish European, 0.0031%; no homozygotes.

Submission:

Mayo Clinic Laboratories, Mayo Clinic
Classification: Uncertain significance. Last evaluated: 2022-03-09. Review status: criteria provided, single submitter. Criteria: ACMG Guidelines, 2015. Collection method: clinical testing. Allele origin: germline. Observed: 1 variant allele.
Comment: BP4, PM2

NM_014844.5(TECPR2):c.3881C>T (p.Thr1294Ile)

Gene: TECPR2 (tectonin beta-propeller repeat containing 2; plus strand). Cytogenetic location: 14q32.31.
Variant type: single nucleotide variant.
Coding change: c.3881C>T on transcript NM_014844.5 (MANE Select); coding-DNA position 3881, C replaced by T.
Protein change: p.Thr1294Ile; replaces threonine 1294 with isoleucine.
Molecular consequence: missense variant.
Genome position (GRCh38, 1-based): chr14:102,497,070, C>T. VCF-style: chr14-102497070-C-T. GRCh37 (hg19) VCF-style: chr14-102963407-C-T.
Other names: p.Thr1294Ile; short protein forms T1294I.
Identifiers: ClinVar variation 2683281 (VCV002683281.1), dbSNP rs775341918, ClinGen allele CA7358375.
Genomic context (GRCh38, chr14:102,497,070, plus strand): 5'-CCAGCCCCAACGACCAGATGCTGTGGGTGCTTGACAGCAGGTGGAACGTGCACGTGCGGA[C>T]CGGGATCACCGAGGAGATGCCTGTGGGGACCGCCTGGGAGCATGTGCCAGGTAGGAGCCT-3'
Protein context (NP_055659.2, residues 1284-1304): LDSRWNVHVR[Thr1294Ile]GITEEMPVGT